The following is an entry in ClinVar:

NM_001267550.2(TTN):c.82542T>C (p.Val27514=)

Genes: TTN (titin; minus strand), TTN-AS1 (TTN antisense RNA 1; plus strand). Cytogenetic location: 2q31.2.
Variant type: single nucleotide variant.
Coding change: c.82542T>C on transcript NM_001267550.2 (MANE Select); coding-DNA position 82542, T replaced by C.
Protein change: p.Val27514=; no amino-acid change (valine 27514 retained).
Molecular consequence: synonymous variant.
Genome position (GRCh38, 1-based): chr2:178,563,590, A>G on the plus strand (T>C on the coding strand, the complement: TTN is on the minus strand). VCF-style: chr2-178563590-A-G. GRCh37 (hg19) VCF-style: chr2-179428317-A-G.
Other names: c.77619T>C, p.Val25873= (NM_001256850.1); c.55347T>C, p.Val18449= (NM_003319.4); c.74838T>C, p.Val24946= (NM_133378.4); c.55722T>C, p.Val18574= (NM_133432.3); c.55923T>C, p.Val18641= (NM_133437.4).
Identifiers: ClinVar variation 1586125 (VCV001586125.11), dbSNP rs779510131, ClinGen allele CA1989054.

ClinVar aggregate classification (germline): Likely benign. Review status: criteria provided, multiple submitters, no conflicts (2 of 4 stars). 3 submissions from 3 submitters: Likely benign (2). 1 of the submissions does not count toward it. Last evaluated 2025-12-02.

Conditions:
TTN-related disorder. Also called: TTN-related condition; TTN-related disease; TTN-related disorders.
Dilated cardiomyopathy 1G (CMD1G). Identifiers: Orphanet 154, MedGen C1858763, MONDO:0011400, OMIM 604145.
Autosomal recessive limb-girdle muscular dystrophy type 2J (LGMDR10). Also called: MUSCULAR DYSTROPHY, LIMB-GIRDLE, AUTOSOMAL RECESSIVE 10; Limb-girdle muscular dystrophy, type 2J. Identifiers: Orphanet 140922, MedGen C1837342, MONDO:0012127, OMIM 608807.
Cardiovascular phenotype. Identifiers: MedGen CN230736.

Allele frequency attached by ClinVar (database versions not stated): gnomAD 0.00001; gnomAD exomes 0.00002 and 0.00008; TOPMed 0.00002; ExAC 0.00008.
gnomAD v4.1: 27 of 1,613,600 alleles (0.0017%); highest among the groups gnomAD compares: East Asian, 0.058%; no homozygotes.

Submissions (3):

Labcorp Genetics (formerly Invitae), Labcorp
Classification: Likely benign for Dilated cardiomyopathy 1G; Autosomal recessive limb-girdle muscular dystrophy type 2J. Last evaluated: 2025-12-02. Review status: criteria provided, single submitter. Criteria: Invitae Variant Classification Sherloc (09022015). Collection method: clinical testing. Allele origin: germline.

Ambry Genetics
Classification: Likely benign for Cardiovascular phenotype. Last evaluated: 2023-11-30. Review status: criteria provided, single submitter. Criteria: Ambry Variant Classification Scheme 2023. Collection method: clinical testing. Allele origin: germline.

PreventionGenetics, part of Exact Sciences
Classification: Likely benign for TTN-related condition. Last evaluated: 2023-11-22. Review status: no assertion criteria provided. Collection method: clinical testing. Allele origin: germline. Not counted in ClinVar's aggregate classification.
Comment: This variant is classified as likely benign based on ACMG/AMP sequence variant interpretation guidelines (Richards et al. 2015 PMID: 25741868, with internal and published modifications).